The following is an entry in ClinVar:

NM_002202.3(ISL1):c.987A>G (p.Ala329=)

Gene: ISL1 (ISL LIM homeobox 1; plus strand). Cytogenetic location: 5q11.1.
Variant type: single nucleotide variant.
Coding change: c.987A>G on transcript NM_002202.3 (MANE Select); coding-DNA position 987, A replaced by G.
Protein change: p.Ala329=; no amino-acid change (alanine 329 retained).
Molecular consequence: synonymous variant.
Genome position (GRCh38, 1-based): chr5:51,393,547, A>G. VCF-style: chr5-51393547-A-G. GRCh37 (hg19) VCF-style: chr5-50689381-A-G.
Identifiers: ClinVar variation 3353321 (VCV003353321.1).

ClinVar aggregate classification (germline): Likely benign (0 of 4 stars; one submission).

Conditions:
ISL1-related disorder. Also called: ISL1-related condition.

Submission:

PreventionGenetics, part of Exact Sciences
Classification: Likely benign for ISL1-related condition. Last evaluated: 2022-05-26. Review status: no assertion criteria provided. Collection method: clinical testing. Allele origin: germline.
Comment: This variant is classified as likely benign based on ACMG/AMP sequence variant interpretation guidelines (Richards et al. 2015 PMID: 25741868, with internal and published modifications).